The following is an entry in ClinVar:

NM_000465.4(BARD1):c.1120G>A (p.Gly374Ser)

Gene: BARD1 (BRCA1 associated RING domain 1; minus strand). Cytogenetic location: 2q35.
Variant type: single nucleotide variant.
Coding change: c.1120G>A on transcript NM_000465.4 (MANE Select); coding-DNA position 1120, G replaced by A.
Protein change: p.Gly374Ser; replaces glycine 374 with serine.
Molecular consequence: missense variant. On other transcripts: non-coding transcript variant (2), intron variant (3).
Genome position (GRCh38, 1-based): chr2:214,780,754, C>T on the plus strand (G>A on the coding strand, the complement: BARD1 is on the minus strand). VCF-style: chr2-214780754-C-T. GRCh37 (hg19) VCF-style: chr2-215645478-C-T.
Other names: c.1063G>A, p.Gly355Ser (NM_001282543.2); c.159-28199G>A (NM_001282548.2); c.215+16307G>A (NM_001282545.2); c.364+11543G>A (NM_001282549.2); short protein forms G374S, G355S.
Identifiers: ClinVar variation 482838 (VCV000482838.5), dbSNP rs1553622239, ClinGen allele CA350454018.
Genomic context (GRCh38, chr2:214,780,754, plus strand): 5'-TACCTGGTGAAAGACTAATGAATTCATCGGACATGTTACTGTTTTTCCTCCCTGATGTAC[C>T]ACCAACTTTACGTTTGCATGAAGGTGGTGAAGAACATTCAGGCAATGGTATATTTTCTGA-3'
Protein context (NP_000456.2, residues 364-384): SPPSCKRKVG[Gly374Ser]TSGRKNSNMS

ClinVar aggregate classification (germline): Uncertain significance (1 of 4 stars; one submission).

Conditions:
Hereditary cancer-predisposing syndrome. Also called: Neoplastic Syndromes, Hereditary; Tumor predisposition; Hereditary Cancer Syndrome; Hereditary neoplastic syndrome. Identifiers: Orphanet 140162, MedGen C0027672, MeSH D009386, MONDO:0015356.

gnomAD v4.1: 1 of 1,613,964 alleles (0.000062%); no homozygotes.

Submission:

Ambry Genetics
Classification: Uncertain significance for Hereditary cancer-predisposing syndrome. Last evaluated: 2020-09-21. Review status: criteria provided, single submitter. Criteria: Ambry Variant Classification Scheme 2023. Collection method: clinical testing. Allele origin: germline.
Comment: The p.G374S variant (also known as c.1120G>A), located in coding exon 4 of the BARD1 gene, results from a G to A substitution at nucleotide position 1120. The glycine at codon 374 is replaced by serine, an amino acid with similar properties. This amino acid position is poorly conserved in available vertebrate species. In addition, this alteration is predicted to be tolerated by in silico analysis. Since supporting evidence is limited at this time, the clinical significance of this alteration remains unclear.